The following is an entry in ClinVar:

NM_001204.7(BMPR2):c.1145A>G (p.Tyr382Cys)

Gene: BMPR2 (bone morphogenetic protein receptor type 2; plus strand). Cytogenetic location: 2q33.2.
Variant type: single nucleotide variant.
Coding change: c.1145A>G on transcript NM_001204.7 (MANE Select); coding-DNA position 1145, A replaced by G.
Protein change: p.Tyr382Cys; replaces tyrosine 382 with cysteine.
Molecular consequence: missense variant.
Genome position (GRCh38, 1-based): chr2:202,532,601, A>G. VCF-style: chr2-202532601-A-G. GRCh37 (hg19) VCF-style: chr2-203397324-A-G.
Other names: short protein forms Y382C.
Identifiers: ClinVar variation 3481303 (VCV003481303.1).

ClinVar aggregate classification (germline): Uncertain significance (1 of 4 stars; one submission).

Conditions:
Inborn genetic diseases. Identifiers: MedGen C0950123, MeSH D030342.

gnomAD v4.1: 10 of 1,614,014 alleles (0.00062%); highest among the groups gnomAD compares: Non-Finnish European, 0.00085%; no homozygotes.

Submission:

Ambry Genetics
Classification: Uncertain significance for Inborn genetic diseases. Last evaluated: 2024-11-26. Review status: criteria provided, single submitter. Criteria: Ambry Variant Classification Scheme 2023. Collection method: clinical testing. Allele origin: germline.
Comment: The p.Y382C variant (also known as c.1145A>G), located in coding exon 9 of the BMPR2 gene, results from an A to G substitution at nucleotide position 1145. The tyrosine at codon 382 is replaced by cysteine, an amino acid with highly dissimilar properties. This amino acid position is conserved. In addition, this alteration is predicted to be deleterious by in silico analysis. Based on the available evidence, the clinical significance of this variant remains unclear.